The following is an entry in ClinVar:

ClinVar aggregate classification (germline): Likely benign. Review status: criteria provided, multiple submitters, no conflicts (2 of 4 stars). 2 submissions from 2 submitters: Likely benign (2). Last evaluated 2022-10-05.

Conditions:
Hereditary breast ovarian cancer syndrome. Also called: Hereditary breast and ovarian cancer; Hereditary breast and ovarian cancer syndrome (HBOC); Breast and ovarian cancer; Hereditary breast and ovarian cancer syndrome; BRCA1- and BRCA2-Associated Hereditary Breast and Ovarian Cancer; Hereditary breast and/or ovarian cancer syndrome. Identifiers: Orphanet 145, MedGen C0677776, MeSH D061325, MONDO:0003582. Disease mechanism: loss of function.

Submissions (2):

Labcorp Genetics (formerly Invitae), Labcorp
Classification: Likely benign for Hereditary breast ovarian cancer syndrome. Last evaluated: 2022-10-05. Review status: criteria provided, single submitter. Criteria: Invitae Variant Classification Sherloc (09022015). Collection method: clinical testing. Allele origin: germline.

Women's Health and Genetics/Laboratory Corporation of America, LabCorp
Classification: Likely benign. Last evaluated: 2020-04-13. Review status: criteria provided, single submitter. Criteria: LabCorp Variant Classification Summary - May 2015. Collection method: clinical testing. Allele origin: germline.
Comment: Variant summary: BRCA2 c.4419C>T alters a non-conserved nucleotide resulting in a synonymous change. 4/4 computational tools predict no significant impact on normal splicing. However, these predictions have yet to be confirmed by functional studies. The variant was absent in 249402 control chromosomes (gnomAD). The available data on variant occurrences in the general population are insufficient to allow any conclusion about variant significance. To our knowledge, no occurrence of c.4419C>T in individuals affected with Hereditary Breast and Ovarian Cancer Syndrome and no experimental evidence demonstrating its impact on protein function have been reported. No clinical diagnostic laboratories have submitted clinical-significance assessments for this variant to ClinVar after 2014. Based on the evidence outlined above, the variant was classified as likely benign.

NM_000059.4(BRCA2):c.4419C>T (p.Asn1473=)

Gene: BRCA2 (BRCA2 DNA repair associated; plus strand). Cytogenetic location: 13q13.1.
Variant type: single nucleotide variant.
Coding change: c.4419C>T on transcript NM_000059.4 (MANE Select); coding-DNA position 4419, C replaced by T.
Protein change: p.Asn1473=; no amino-acid change (asparagine 1473 retained).
Molecular consequence: synonymous variant.
Genome position (GRCh38, 1-based): chr13:32,338,774, C>T. VCF-style: chr13-32338774-C-T. GRCh37 (hg19) VCF-style: chr13-32912911-C-T.
Identifiers: ClinVar variation 917802 (VCV000917802.10), dbSNP rs2072503843, ClinGen allele CA483437775.